The following is an entry in ClinVar:

NM_000271.5(NPC1):c.3188G>A (p.Ser1063Asn)

Gene: NPC1 (NPC intracellular cholesterol transporter 1; minus strand). Cytogenetic location: 18q11.2.
Variant type: single nucleotide variant.
Coding change: c.3188G>A on transcript NM_000271.5 (MANE Select); coding-DNA position 3188, G replaced by A.
Protein change: p.Ser1063Asn; replaces serine 1063 with asparagine.
Molecular consequence: missense variant.
Genome position (GRCh38, 1-based): chr18:23,536,730, C>T on the plus strand (G>A on the coding strand, the complement: NPC1 is on the minus strand). VCF-style: chr18-23536730-C-T. GRCh37 (hg19) VCF-style: chr18-21116694-C-T.
Other names: short protein forms S1063N.
Identifiers: ClinVar variation 1801057 (VCV001801057.1), dbSNP rs2511196871, ClinGen allele CA401791752.
Genomic context (GRCh38, chr18:23,536,730, plus strand): 5'-TACCTGTAAGGAAATACTCGGTAGGCACTGCCGTTAATGCCCATGGTTTCGGTGACATTA[C>T]TGGCTATAAGTCGGGCTTTCTTCAGAGCGTCAATAAAGTCAGCAGAGGTCTGCAGCACGG-3'
Protein context (NP_000262.2, residues 1053-1073): DALKKARLIA[Ser1063Asn]NVTETMGING

ClinVar aggregate classification (germline): Uncertain significance (1 of 4 stars; one submission).

gnomAD v4.1: 1 of 1,614,212 alleles (0.000062%); highest among the groups gnomAD compares: Middle Eastern, 0.016%; no homozygotes.

Submission:

GeneDx
Classification: Uncertain significance. Last evaluated: 2022-05-27. Review status: criteria provided, single submitter. Criteria: GeneDx Variant Classification Process June 2021. Collection method: clinical testing. Allele origin: germline. Affected: yes.
Comment: Not observed at significant frequency in large population cohorts (gnomAD); In silico analysis supports that this missense variant does not alter protein structure/function; Has not been previously published as pathogenic or benign to our knowledge